The following is an entry in ClinVar:

NM_001684.5(ATP2B4):c.929G>T (p.Arg310Leu)

Gene: ATP2B4 (ATPase plasma membrane Ca2+ transporting 4; plus strand). Cytogenetic location: 1q32.1.
Variant type: single nucleotide variant.
Coding change: c.929G>T on transcript NM_001684.5 (MANE Select); coding-DNA position 929, G replaced by T.
Protein change: p.Arg310Leu; replaces arginine 310 with leucine.
Molecular consequence: missense variant.
Genome position (GRCh38, 1-based): chr1:203,702,071, G>T. VCF-style: chr1-203702071-G-T. GRCh37 (hg19) VCF-style: chr1-203671199-G-T.
Other names: c.929G>T, p.Arg310Leu (NM_001001396.3, NM_001365783.2, NM_001365784.2); short protein forms R310L.
Identifiers: ClinVar variation 3695492 (VCV003695492.2).

ClinVar aggregate classification (germline): Uncertain significance (1 of 4 stars; one submission).

Submission:

Labcorp Genetics (formerly Invitae), Labcorp
Classification: Uncertain significance. Last evaluated: 2025-07-31. Review status: criteria provided, single submitter. Criteria: Invitae Variant Classification Sherloc (09022015). Collection method: clinical testing. Allele origin: germline.
Comment: This sequence change replaces arginine, which is basic and polar, with leucine, which is neutral and non-polar, at codon 310 of the ATP2B4 protein (p.Arg310Leu). This variant is not present in population databases (gnomAD no frequency). This variant has not been reported in the literature in individuals affected with ATP2B4-related conditions. ClinVar contains an entry for this variant (Variation ID: 3695492). Invitae Evidence Modeling of protein sequence and biophysical properties (such as structural, functional, and spatial information, amino acid conservation, physicochemical variation, residue mobility, and thermodynamic stability) indicates that this missense variant is not expected to disrupt ATP2B4 protein function with a negative predictive value of 80%. In summary, the available evidence is currently insufficient to determine the role of this variant in disease. Therefore, it has been classified as a Variant of Uncertain Significance.